The following is an entry in ClinVar:

ClinVar aggregate classification (germline): Uncertain significance (1 of 4 stars; one submission).

Submission:

Labcorp Genetics (formerly Invitae), Labcorp
Classification: Uncertain significance. Last evaluated: 2025-02-12. Review status: criteria provided, single submitter. Criteria: Invitae Variant Classification Sherloc (09022015). Collection method: clinical testing. Allele origin: germline.
Comment: This sequence change falls in intron 7 of the LZTR1 gene. It does not directly change the encoded amino acid sequence of the LZTR1 protein. This variant is not present in population databases (gnomAD no frequency). This variant has not been reported in the literature in individuals affected with LZTR1-related conditions. Experimental studies and prediction algorithms are not available or were not evaluated, and the effect of this variant on mRNA splicing is currently unknown. In summary, the available evidence is currently insufficient to determine the role of this variant in disease. Therefore, it has been classified as a Variant of Uncertain Significance.

NM_006767.4(LZTR1):c.651+23_651+24insTGCAGGTGGAGGAGGTGAGGGGCATGGGGAGCCAGGG

Gene: LZTR1 (leucine zipper like post translational regulator 1; plus strand). Cytogenetic location: 22q11.21.
Variant type: Insertion.
Coding change: c.651+23_651+24insTGCAGGTGGAGGAGGTGAGGGGCATGGGGAGCCAGGG on transcript NM_006767.4 (MANE Select); bases 23 to 24 of the intron after coding-DNA position 651, TGCAGGTGGAGGAGGTGAGGGGCATGGGGAGCCAGGG inserted.
Molecular consequence: intron variant.
Genome position: GRCh38: chr22:20,989,705-20,989,706. GRCh37 (hg19): chr22:21,343,994-21,343,995.
Identifiers: ClinVar variation 4810214 (VCV004810214.1).
Genomic context (GRCh38, chr22:20,989,692, plus strand): 5'-GACATGTGGACAATTGGCCTCCAGGACCGAGAGCTCACCTGCTGGGAGGAGGTGAGGGGC[G>GTGGGGAGCCAGGGTGCAGGTGGAGGAGGTGAGGGGCA]TGGGGAGCCAGGGCGCAGGTAGAGGAGGTGAGGGGCACGGGGAGCCAGGGCGCAGGTGGA-3'